The following is an entry in ClinVar:

ClinVar aggregate classification (germline): Uncertain significance (1 of 4 stars; one submission).

Submission:

Labcorp Genetics (formerly Invitae), Labcorp
Classification: Uncertain significance. Last evaluated: 2022-07-23. Review status: criteria provided, single submitter. Criteria: Invitae Variant Classification Sherloc (09022015). Collection method: clinical testing. Allele origin: germline.
Comment: This variant has not been reported in the literature in individuals affected with TCF3-related conditions. In summary, the available evidence is currently insufficient to determine the role of this variant in disease. Therefore, it has been classified as a Variant of Uncertain Significance. Algorithms developed to predict the effect of missense changes on protein structure and function are either unavailable or do not agree on the potential impact of this missense change (SIFT: "Not Available"; PolyPhen-2: "Possibly Damaging"; Align-GVGD: "Not Available"). This variant is not present in population databases (gnomAD no frequency). This sequence change replaces proline, which is neutral and non-polar, with leucine, which is neutral and non-polar, at codon 71 of the TCF3 protein (p.Pro71Leu).

NM_003200.5(TCF3):c.212C>T (p.Pro71Leu)

Gene: TCF3 (transcription factor 3; minus strand). Cytogenetic location: 19p13.3.
Variant type: single nucleotide variant.
Coding change: c.212C>T on transcript NM_003200.5 (MANE Select); coding-DNA position 212, C replaced by T.
Protein change: p.Pro71Leu; replaces proline 71 with leucine.
Molecular consequence: missense variant.
Genome position (GRCh38, 1-based): chr19:1,632,339, G>A on the plus strand (C>T on the coding strand, the complement: TCF3 is on the minus strand). VCF-style: chr19-1632339-G-A. GRCh37 (hg19) VCF-style: chr19-1632338-G-A.
Other names: c.212C>T, p.Pro71Leu (NM_001136139.4, NM_001351778.2, NM_001351779.2); short protein forms P71L.
Identifiers: ClinVar variation 1911269 (VCV001911269.5), dbSNP rs2514257914, ClinGen allele CA403080061.